The following is an entry in ClinVar:

NM_001033855.3(DCLRE1C):c.1665_1666del (p.Asp556fs)

Gene: DCLRE1C (DNA cross-link repair 1C; minus strand). Cytogenetic location: 10p13.
Variant type: Deletion.
Coding change: c.1665_1666del on transcript NM_001033855.3 (MANE Select); coding-DNA positions 1665 to 1666, 2 bases deleted (TG; older notation c.1665_1666delTG).
Protein change: p.Asp556fs; shifts the reading frame from aspartic acid 556.
Molecular consequence: frameshift variant. On other transcripts: non-coding transcript variant (4).
Genome position (GRCh38, 1-based): chr10:14,908,821-14,908,822, CA deleted on the plus strand (TG on the coding strand, the reverse complement: DCLRE1C is on the minus strand). VCF-style (leftmost placement, unchanged base first): chr10-14908820-TCA-T. GRCh37 (hg19) VCF-style: chr10-14950819-TCA-T.
Other names: c.1665_1666del (NM_001033855.2); c.1305_1306del, p.Asp436fs (NM_001033857.3, NM_001033858.3, NM_001289077.2 and 2 more transcripts); c.1320_1321del, p.Asp441fs (NM_001289076.2, NM_001289078.2, NM_001350966.2 and 1 more transcripts); c.1665_1666del, p.Asp556fs (NM_001350965.2); short protein forms D441fs, D436fs, D556fs.
Identifiers: ClinVar variation 1376240 (VCV001376240.9), dbSNP rs2131774270, ClinGen allele CA2573145019.
Genomic context (GRCh38, chr10:14,908,820, plus strand): 5'-GCTTTGTCCAAGGAAGTAATATCCCCACTGTTTCTCTCTTGGGAAGATAACAAAACAGTA[TCA>T]GATTGGCTGTCCCAGCCTTGACTTCCTTGTTCTGTTATGTGTGTTGACTGGGAAGAATTC-3'

ClinVar aggregate classification (germline): Pathogenic/Likely pathogenic. Review status: criteria provided, multiple submitters, no conflicts (2 of 4 stars). 2 submissions from 2 submitters: Pathogenic (1); Likely pathogenic (1). Last evaluated 2024-09-27.

Conditions:
Severe combined immunodeficiency due to DCLRE1C deficiency (RS-SCID). Also called: SCID, AUTOSOMAL RECESSIVE, T CELL-NEGATIVE, B CELL-NEGATIVE, NK CELL-POSITIVE, WITH SENSITIVITY TO IONIZING RADIATION. Identifiers: Orphanet 275, MedGen C1865371, MONDO:0011225, OMIM 602450.
Athabaskan severe combined immunodeficiency (SCIDA). Also called: Severe combined immunodeficiency, athabascan-type. Identifiers: MedGen C1865370.

Submissions (2):

Natera, Inc.
Classification: Likely pathogenic for Athabascan severe combined immunodeficiency. Last evaluated: 2024-09-27. Review status: criteria provided, single submitter. Criteria: Natera Variant Classification Schema (03/2026). Collection method: clinical testing. Allele origin: germline.
Comment: The c.1665_1666del variant in DCLRE1C is a frameshift variant predicted to shift the reading frame beginning at codon 556 and leads to a stop codon 21 codons downstream. This variant is expected to result in nonsense mediated decay, truncation, or a dysfunctional protein product. This variant is rare in the general population with a frequency below the threshold expected for the associated phenotype(s). Given the available evidence, this variant is classified as Likely Pathogenic.

Labcorp Genetics (formerly Invitae), Labcorp
Classification: Pathogenic for Athabaskan severe combined immunodeficiency. Last evaluated: 2021-02-16. Review status: criteria provided, single submitter. Criteria: Invitae Variant Classification Sherloc (09022015). Collection method: clinical testing. Allele origin: germline.
Comment: For these reasons, this variant has been classified as Pathogenic. This variant disrupts the C-terminus of the DCLRE1C protein. Other variant(s) that disrupt this region (p.Thr557Asnfs*21) have been determined to be pathogenic (PMID: 26476407). This suggests that variants that disrupt this region of the protein are likely to be causative of disease. This variant has not been reported in the literature in individuals with DCLRE1C-related conditions. This variant is not present in population databases (ExAC no frequency). This sequence change creates a premature translational stop signal (p.Asp556Tyrfs*21) in the DCLRE1C gene. While this is not anticipated to result in nonsense mediated decay, it is expected to disrupt the last 137 amino acid(s) of the DCLRE1C protein.

Literature cited by the submitters: PubMed 26476407 (cited by Labcorp Genetics (formerly Invitae), Labcorp).